The following is an entry in ClinVar:

NM_033056.4(PCDH15):c.5280_5342del (p.Ala1761_Pro1781del)

Gene: PCDH15 (protocadherin related 15; minus strand). Cytogenetic location: 10q21.1.
Variant type: Deletion.
Coding change: c.5280_5342del on transcript NM_033056.4 (MANE Plus Clinical); coding-DNA positions 5280 to 5342, 63 bases deleted.
Protein change: p.Ala1761_Pro1781del.
Molecular consequence: inframe deletion. On other transcripts: intron variant (8).
Genome position (GRCh38, 1-based): chr10:53,822,384-53,822,446, 63 bases deleted. GRCh37 (hg19): chr10:55,582,153-55,582,215.
Other names: c.4373+2690_4373+2752del (NM_001142770.3, NM_001142772.2); c.4388+4947_4388+5009del (NM_001354411.2); c.4409+2690_4409+2752del (NM_001142769.3); c.5211_5273del, p.Ala1738_Pro1758del (NM_001142773.2); c.5214_5276del, p.Ala1739_Pro1759del (NM_001354404.2); c.4367+4947_4367+5009del (NM_001354420.2); c.4368-4433_4368-4371del (NM_001354429.2); c.4368-2216_4368-2154del (NM_001384140.1); and 8 more.
Identifiers: ClinVar variation 179750 (VCV000179750.27), dbSNP rs1554820012, ClinGen allele CA185064.

ClinVar aggregate classification (germline): Likely benign. Review status: criteria provided, multiple submitters, no conflicts (2 of 4 stars). 7 submissions from 7 submitters: Likely benign (5). 2 of the submissions do not count toward it. Last evaluated 2026-02-04.

Conditions:
PCDH15-related disorder. Also called: PCDH15-related condition; PCDH15-related disorders.
Usher syndrome type 1F (USH1F). Also called: USHER SYNDROME, TYPE IF. Identifiers: Orphanet 231169, Orphanet 886, MedGen C1865885, MONDO:0011186, OMIM 602083.

Submissions (7):

Labcorp Genetics (formerly Invitae), Labcorp
Classification: Likely benign. Last evaluated: 2026-02-04. Review status: criteria provided, single submitter. Criteria: Invitae Variant Classification Sherloc (09022015). Collection method: clinical testing. Allele origin: germline.

CeGaT Center for Human Genetics Tuebingen
Classification: Likely benign. Last evaluated: 2026-02-01. Review status: criteria provided, single submitter. Criteria: CeGaT Center For Human Genetics Tuebingen Variant Classification Criteria Version 2. Collection method: clinical testing. Allele origin: germline. Affected: yes. Observed: 1 variant allele.
Comment: PCDH15: BP4

Blueprint Genetics
Classification: Likely benign. Last evaluated: 2024-11-27. Review status: criteria provided, single submitter. Criteria: ACMG Guidelines, 2015. Collection method: clinical testing. Allele origin: germline.

GeneDx
Classification: Likely benign. Last evaluated: 2022-05-27. Review status: criteria provided, single submitter. Criteria: GeneDx Variant Classification Process June 2021. Collection method: clinical testing. Allele origin: germline. Affected: yes.
Comment: See Variant Classification Assertion Criteria.

Laboratory for Molecular Medicine, Mass General Brigham Personalized Medicine
Classification: Likely benign. Last evaluated: 2014-04-28. Review status: criteria provided, single submitter. Criteria: LMM Criteria. Collection method: clinical testing. Allele origin: germline. Observed: 3 variant alleles.
Comment: Ala1761_Pro1781del in exon 33 of PCDH15: This variant is not expected to have cl inical significance because it has been identified in 0.8% (66/8214) of European American chromosomes and in 0.9% (39/4326) of African American chromosomes by t he NHLBI Exome Sequencing Project. In addit ion, the exon 33 region of PCDH15 is not conserved across species.

PreventionGenetics, part of Exact Sciences
Classification: Likely benign for PCDH15-related condition. Last evaluated: 2023-12-19. Review status: no assertion criteria provided. Collection method: clinical testing. Allele origin: germline. Not counted in ClinVar's aggregate classification.
Comment: This variant is classified as likely benign based on ACMG/AMP sequence variant interpretation guidelines (Richards et al. 2015 PMID: 25741868, with internal and published modifications).

Natera, Inc.
Classification: Likely benign for Usher syndrome type 1F. Last evaluated: 2021-02-22. Review status: no assertion criteria provided. Collection method: clinical testing. Allele origin: germline. Not counted in ClinVar's aggregate classification.